The following is an entry in ClinVar:

ClinVar aggregate classification (germline): Uncertain significance (1 of 4 stars; one submission).

Conditions:
Neuropathy, hereditary sensory, type 2C. Also called: Hereditary sensory and autonomic neuropathy type IIC; KIF1A-Related HSAN2 (HSAN2C). Identifiers: Orphanet 970, MedGen C3280168, MONDO:0013634, OMIM 614213.
Hereditary spastic paraplegia 30. Identifiers: Orphanet 101010, MedGen C5235139, MONDO:0012476.
Intellectual disability, autosomal dominant 9 (NESCAVS). Also called: NESCAV SYNDROME; KIF1A-Related Neurodevelopmental Disorder. Identifiers: Orphanet 662367, MedGen C5393830, MONDO:0013656, OMIM 614255.

gnomAD v4.1: 1 of 1,601,462 alleles (0.000062%); no homozygotes.

Submission:

Labcorp Genetics (formerly Invitae), Labcorp
Classification: Uncertain significance for Hereditary spastic paraplegia 30; Neuropathy, hereditary sensory, type 2C; Intellectual disability, autosomal dominant 9. Last evaluated: 2023-12-14. Review status: criteria provided, single submitter. Criteria: Invitae Variant Classification Sherloc (09022015). Collection method: clinical testing. Allele origin: germline.
Comment: This sequence change replaces proline, which is neutral and non-polar, with threonine, which is neutral and polar, at codon 955 of the KIF1A protein (p.Pro955Thr). This variant is not present in population databases (gnomAD no frequency). This variant has not been reported in the literature in individuals affected with KIF1A-related conditions. Advanced modeling of protein sequence and biophysical properties (such as structural, functional, and spatial information, amino acid conservation, physicochemical variation, residue mobility, and thermodynamic stability) performed at Invitae indicates that this missense variant is not expected to disrupt KIF1A protein function with a negative predictive value of 95%. In summary, the available evidence is currently insufficient to determine the role of this variant in disease. Therefore, it has been classified as a Variant of Uncertain Significance.

NM_001244008.2(KIF1A):c.3166C>A (p.Pro1056Thr)

Gene: KIF1A (kinesin family member 1A; minus strand). Cytogenetic location: 2q37.3.
Variant type: single nucleotide variant.
Coding change: c.3166C>A on transcript NM_001244008.2 (MANE Select); coding-DNA position 3166, C replaced by A.
Protein change: p.Pro1056Thr; replaces proline 1056 with threonine.
Molecular consequence: missense variant.
Genome position (GRCh38, 1-based): chr2:240,746,075, G>T on the plus strand (C>A on the coding strand, the complement: KIF1A is on the minus strand). VCF-style: chr2-240746075-G-T. GRCh37 (hg19) VCF-style: chr2-241685492-G-T.
Other names: c.2890C>A, p.Pro964Thr (NM_001320705.2, NM_001330289.2, NM_001379638.1); c.2965C>A, p.Pro989Thr (NM_001330290.2, NM_001379634.1, NM_001379635.1 and 1 more transcripts); c.3241C>A, p.Pro1081Thr (NM_001379631.1); c.3115C>A, p.Pro1039Thr (NM_001379632.1); c.3139C>A, p.Pro1047Thr (NM_001379633.1, NM_001379642.1, NM_001379645.1); c.2863C>A, p.Pro955Thr (NM_001379636.1, NM_001379639.1, NM_001379640.1 and 7 more transcripts); c.2938C>A, p.Pro980Thr (NM_001379637.1, NM_001379648.1); short protein forms P1039T, P1056T, P955T, P989T, P1081T, P964T, P980T, P1047T.
Identifiers: ClinVar variation 2921418 (VCV002921418.3), dbSNP rs2048563349, ClinGen allele CA351318827.